The following is an entry in ClinVar:

NM_014975.3(MAST1):c.2294C>T (p.Thr765Ile)

Genes: MAST1 (microtubule associated serine/threonine kinase 1; plus strand), LOC112543452 (Sharpr-MPRA regulatory region 6054; plus strand). Cytogenetic location: 19p13.13.
Variant type: single nucleotide variant.
Coding change: c.2294C>T on transcript NM_014975.3 (MANE Select); coding-DNA position 2294, C replaced by T.
Protein change: p.Thr765Ile; replaces threonine 765 with isoleucine.
Molecular consequence: missense variant.
Genome position (GRCh38, 1-based): chr19:12,867,628, C>T. VCF-style: chr19-12867628-C-T. GRCh37 (hg19) VCF-style: chr19-12978442-C-T.
Other names: short protein forms T765I.
Identifiers: ClinVar variation 931679 (VCV000931679.3), dbSNP rs779160316, ClinGen allele CA9233088.
Genomic context (GRCh38, chr19:12,867,628, plus strand): 5'-CCGAGGAGAAGGTGGCCGGCAAGCGGGAGGGGCTGGGCGGCCTGACCCTGCGTGAGAAGA[C>T]CTGGAGAGGGGGCTCTCCGGAGATGTGAGCAGGGGAATGGCGGAGTTTGGGGGCGGGGTC-3'
Protein context (NP_055790.1, residues 755-775): GLGGLTLREK[Thr765Ile]WRGGSPEIKR

ClinVar aggregate classification (germline): Uncertain significance (1 of 4 stars; one submission).

Conditions:
Mega-corpus-callosum syndrome with cerebellar hypoplasia and cortical malformations. Identifiers: MedGen C4748927, MONDO:0032648, OMIM 618273.

Allele frequency attached by ClinVar (database versions not stated): gnomAD exomes below 0.00001; TOPMed below 0.00001; ExAC 0.00001.

Submission:

Centre for Mendelian Genomics, University Medical Centre Ljubljana
Classification: Uncertain significance for Mega-corpus-callosum syndrome with cerebellar hypoplasia and cortical malformations. Last evaluated: 2019-10-01. Review status: criteria provided, single submitter. Criteria: ACMG Guidelines, 2015. Collection method: clinical testing. Allele origin: unknown. Affected: yes.
Comment: This variant was classified as: Uncertain significance. The available evidence on this variant's pathogenicity is insufficient or conflicting. The following ACMG criteria were applied in classifying this variant: PP3.